The following is an entry in ClinVar:

ClinVar aggregate classification (germline): Pathogenic (1 of 4 stars; one submission).

Conditions:
Hereditary spastic paraplegia 15 (SPG15). Also called: SPASTIC PARAPLEGIA 15, AUTOSOMAL RECESSIVE; KJELLIN SYNDROME; SPASTIC PARAPLEGIA AND RETINAL DEGENERATION. Identifiers: Orphanet 100996, MedGen C1849128, MONDO:0010044, OMIM 270700.

Submission:

Myriad Genetics, Inc.
Classification: Pathogenic for Hereditary spastic paraplegia 15. Last evaluated: 2026-02-23. Review status: criteria provided, single submitter. Criteria: Myriad Autosomal Dominant, Autosomal Recessive and X-Linked Classification Criteria (2023). Collection method: clinical testing. Allele origin: unknown.
Comment: NM_015346.3(ZFYVE26):c.6702G>A(W2234*) is expected to be pathogenic in the context of spastic paraplegia type 15. This variant is predicted to lead to an abnormal or absent protein product due to the creation of a premature termination codon in ZFYVE26, a gene where loss-of-function variants are known to be pathogenic. Please note: this variant was assessed in the context of healthy population screening.

NM_015346.4(ZFYVE26):c.6702G>A (p.Trp2234Ter)

Gene: ZFYVE26 (zinc finger FYVE-type containing 26; minus strand). Cytogenetic location: 14q24.1.
Variant type: single nucleotide variant.
Coding change: c.6702G>A on transcript NM_015346.4 (MANE Select); coding-DNA position 6702, G replaced by A.
Protein change: p.Trp2234Ter; replaces tryptophan 2234 with a stop codon.
Molecular consequence: nonsense.
Genome position (GRCh38, 1-based): chr14:67,756,032, C>T on the plus strand (G>A on the coding strand, the complement: ZFYVE26 is on the minus strand). VCF-style: chr14-67756032-C-T. GRCh37 (hg19) VCF-style: chr14-68222749-C-T.
Other names: short protein forms W2234*.
Identifiers: ClinVar variation 5015598 (VCV005015598.1).
Genomic context (GRCh38, chr14:67,756,032, plus strand): 5'-CAGAATGTGGTAGTAGTTCTTCTTCTGTAAATGTTGGCAGGCAGCAATCAAGTACTTTCC[C>T]CAGCTCTCCAAGGTTGGATCAATGGATTCTAGCAAGTTCTCCAAAGTGTGTAGCTTCCCA-3'